The following is an entry in ClinVar:

ClinVar aggregate classification (germline): Uncertain significance. Review status: criteria provided, multiple submitters, no conflicts (2 of 4 stars). 2 submissions from 2 submitters: Uncertain significance (2). Last evaluated 2025-06-07.

Conditions:
Inborn genetic diseases. Identifiers: MedGen C0950123, MeSH D030342.
Spastic paraplegia. Identifiers: MedGen C0037772, HP:0001258.

Allele frequency attached by ClinVar (database versions not stated): ExAC 0.00001; TOPMed 0.00014.

Submissions (2):

Ambry Genetics
Classification: Uncertain significance for Inborn genetic diseases. Last evaluated: 2025-06-07. Review status: criteria provided, single submitter. Criteria: Ambry Variant Classification Scheme 2023. Collection method: clinical testing. Allele origin: germline.

Labcorp Genetics (formerly Invitae), Labcorp
Classification: Uncertain significance for Spastic paraplegia. Last evaluated: 2023-12-11. Review status: criteria provided, single submitter. Criteria: Invitae Variant Classification Sherloc (09022015). Collection method: clinical testing. Allele origin: germline.
Comment: This sequence change replaces arginine, which is basic and polar, with glycine, which is neutral and non-polar, at codon 414 of the GJC2 protein (p.Arg414Gly). This variant is present in population databases (rs769684659, gnomAD 0.003%). This variant has not been reported in the literature in individuals affected with GJC2-related conditions. ClinVar contains an entry for this variant (Variation ID: 853781). Advanced modeling of protein sequence and biophysical properties (such as structural, functional, and spatial information, amino acid conservation, physicochemical variation, residue mobility, and thermodynamic stability) has been performed at Invitae for this missense variant, however the output from this modeling did not meet the statistical confidence thresholds required to predict the impact of this variant on GJC2 protein function. In summary, the available evidence is currently insufficient to determine the role of this variant in disease. Therefore, it has been classified as a Variant of Uncertain Significance.

NM_020435.4(GJC2):c.1240C>G (p.Arg414Gly)

Gene: GJC2 (gap junction protein gamma 2; plus strand). Cytogenetic location: 1q42.13.
Variant type: single nucleotide variant.
Coding change: c.1240C>G on transcript NM_020435.4 (MANE Select); coding-DNA position 1240, C replaced by G.
Protein change: p.Arg414Gly; replaces arginine 414 with glycine.
Molecular consequence: missense variant.
Genome position (GRCh38, 1-based): chr1:228,158,998, C>G. VCF-style: chr1-228158998-C-G. GRCh37 (hg19) VCF-style: chr1-228346699-C-G.
Other names: short protein forms R414G.
Identifiers: ClinVar variation 853781 (VCV000853781.11), dbSNP rs769684659, ClinGen allele CA1430972.
Genomic context (GRCh38, chr1:228,158,998, plus strand): 5'-ACGGGCAGTGCTACCTCTGCGGGCACTGTCGGGGAGCAGGGCCGGCCCGGCACCCACGAG[C>G]GGCCAGGAGCCAAGCCCAGGGCTGGCTCCGAGAAGGGCAGTGCCAGCAGCAGGGACGGGA-3'
Protein context (NP_065168.2, residues 404-424): GEQGRPGTHE[Arg414Gly]PGAKPRAGSE